The following is an entry in ClinVar:

ClinVar aggregate classification (germline): Uncertain significance (1 of 4 stars; one submission).

Conditions:
Cardiovascular phenotype. Identifiers: MedGen CN230736.

Allele frequency attached by ClinVar (database versions not stated): gnomAD exomes below 0.00001; TOPMed 0.00001.
gnomAD v4.1: 1 of 1,613,378 alleles (0.000062%); highest among the groups gnomAD compares: Non-Finnish European, 0.000085%; no homozygotes.

Submission:

Ambry Genetics
Classification: Uncertain significance for Cardiovascular phenotype. Last evaluated: 2025-08-28. Review status: criteria provided, single submitter. Criteria: Ambry Variant Classification Scheme 2023. Collection method: clinical testing. Allele origin: germline.
Comment: The p.K199E variant (also known as c.595A>G), located in coding exon 6 of the NEXN gene, results from an A to G substitution at nucleotide position 595. The lysine at codon 199 is replaced by glutamic acid, an amino acid with similar properties. This alteration has been reported in a subject with secundum atrial septal defect (Yang F et al. Cardiovasc Res, 2014 Jul;103:228-37). This amino acid position is not well conserved in available vertebrate species. In addition, this alteration is predicted to be tolerated by in silico analysis. Since supporting evidence is limited at this time, the clinical significance of this alteration remains unclear.

Literature cited by the submitters: PubMed 24866383.

NM_144573.4(NEXN):c.595A>G (p.Lys199Glu)

Gene: NEXN (nexilin F-actin binding protein; plus strand). Cytogenetic location: 1p31.1.
Variant type: single nucleotide variant.
Coding change: c.595A>G on transcript NM_144573.4 (MANE Select); coding-DNA position 595, A replaced by G.
Protein change: p.Lys199Glu; replaces lysine 199 with glutamic acid.
Molecular consequence: missense variant.
Genome position (GRCh38, 1-based): chr1:77,926,519, A>G. VCF-style: chr1-77926519-A-G. GRCh37 (hg19) VCF-style: chr1-78392204-A-G.
Other names: c.403A>G, p.Lys135Glu (NM_001172309.2); short protein forms K135E, K199E.
Identifiers: ClinVar variation 2560578 (VCV002560578.3), dbSNP rs1354265495, ClinGen allele CA340872687.
Genomic context (GRCh38, chr1:77,926,519, plus strand): 5'-TATAAAACATCTGGAAAAATGAAAAAGAATTTTGAGGATCTAGAAAAAGAACGTGAAGAG[A>G]AAGAAAGGATCAAGTACGAGGAAGATAAAAGAATAAGATATGAAGAACAACGACCATCTC-3'
Protein context (NP_653174.3, residues 189-209): FEDLEKEREE[Lys199Glu]ERIKYEEDKR